The following is an entry in ClinVar:

ClinVar aggregate classification (germline): Uncertain significance (1 of 4 stars; one submission).

Allele frequency attached by ClinVar (database versions not stated): gnomAD exomes below 0.00001.
gnomAD v4.1: 2 of 1,609,834 alleles (0.00012%); highest among the groups gnomAD compares: African/African-American, 0.0013%; no homozygotes.

Submission:

Labcorp Genetics (formerly Invitae), Labcorp
Classification: Uncertain significance. Last evaluated: 2022-07-20. Review status: criteria provided, single submitter. Criteria: Invitae Variant Classification Sherloc (09022015). Collection method: clinical testing. Allele origin: germline.
Comment: Algorithms developed to predict the effect of missense changes on protein structure and function are either unavailable or do not agree on the potential impact of this missense change (SIFT: "Tolerated"; PolyPhen-2: "Possibly Damaging"; Align-GVGD: "Class C0"). This variant has not been reported in the literature in individuals affected with SBF1-related conditions. This variant is present in population databases (no rsID available, gnomAD 0.008%). This sequence change replaces proline, which is neutral and non-polar, with serine, which is neutral and polar, at codon 544 of the SBF1 protein (p.Pro544Ser). In summary, the available evidence is currently insufficient to determine the role of this variant in disease. Therefore, it has been classified as a Variant of Uncertain Significance.

NM_002972.4(SBF1):c.1630C>T (p.Pro544Ser)

Gene: SBF1 (SET binding factor 1; minus strand). Cytogenetic location: 22q13.33.
Variant type: single nucleotide variant.
Coding change: c.1630C>T on transcript NM_002972.4 (MANE Select); coding-DNA position 1630, C replaced by T.
Protein change: p.Pro544Ser; replaces proline 544 with serine.
Molecular consequence: missense variant.
Genome position (GRCh38, 1-based): chr22:50,464,540, G>A on the plus strand (C>T on the coding strand, the complement: SBF1 is on the minus strand). VCF-style: chr22-50464540-G-A. GRCh37 (hg19) VCF-style: chr22-50902969-G-A.
Other names: c.1633C>T, p.Pro545Ser (NM_001365819.1, NM_001410794.1); c.1630C>T, p.Pro544Ser (NM_001410795.1, NM_197971.1); short protein forms P544S, P545S.
Identifiers: ClinVar variation 1944939 (VCV001944939.5), dbSNP rs866083002, ClinGen allele CA325534319.